The following is an entry in ClinVar:

ClinVar aggregate classification (germline): Uncertain significance (1 of 4 stars; one submission).

Allele frequency attached by ClinVar (database versions not stated): TOPMed below 0.00001; gnomAD 0.00001.
gnomAD v4.1: 1 of 1,583,680 alleles (0.000063%); highest among the groups gnomAD compares: Admixed American, 0.0018%; no homozygotes.

Submission:

GeneDx
Classification: Uncertain significance. Last evaluated: 2024-04-01. Review status: criteria provided, single submitter. Criteria: GeneDx Variant Classification Process June 2021. Collection method: clinical testing. Allele origin: germline. Affected: yes.
Comment: Not observed at significant frequency in large population cohorts (gnomAD); In silico analysis supports that this missense variant does not alter protein structure/function; Has not been previously published as pathogenic or benign to our knowledge

NM_013275.6(ANKRD11):c.6049G>T (p.Ala2017Ser)

Gene: ANKRD11 (ankyrin repeat domain containing 11; minus strand). Cytogenetic location: 16q24.3.
Variant type: single nucleotide variant.
Coding change: c.6049G>T on transcript NM_013275.6 (MANE Select); coding-DNA position 6049, G replaced by T.
Protein change: p.Ala2017Ser; replaces alanine 2017 with serine.
Molecular consequence: missense variant.
Genome position (GRCh38, 1-based): chr16:89,280,493, C>A on the plus strand (G>T on the coding strand, the complement: ANKRD11 is on the minus strand). VCF-style: chr16-89280493-C-A. GRCh37 (hg19) VCF-style: chr16-89346901-C-A.
Other names: c.6049G>T, p.Ala2017Ser (NM_001256182.2, NM_001256183.2); short protein forms A2017S.
Identifiers: ClinVar variation 2572736 (VCV002572736.2), dbSNP rs1455558820, ClinGen allele CA397152164.
Genomic context (GRCh38, chr16:89,280,493, plus strand): 5'-CGTCCTCCAGCCCCGGCTCAGCGACGGGCAGAGCGTACGGGGCAGGAGAGGCGGGAGGGG[C>A]GGGGTACGGCGCCTCCGAGGCGCTGAAGGGCCCTGGGGCGGCAGAGTGGAGGGGGTCCGC-3'
Protein context (NP_037407.4, residues 2007-2027): PFSASEAPYP[Ala2017Ser]PPASPAPYAL